The following is an entry in ClinVar:

ClinVar aggregate classification (germline): Uncertain significance. Review status: criteria provided, multiple submitters, no conflicts (2 of 4 stars). 3 submissions from 3 submitters: Uncertain significance (3). Last evaluated 2026-01-05.

Conditions:
Autosomal dominant nonsyndromic hearing loss 65. Also called: Deafness, autosomal dominant 65; TBC1D24-Related Autosomal Dominant Nonsyndromic Hearing Loss (DFNA). Identifiers: Orphanet 90635, MedGen C3892048, MONDO:0014470, OMIM 616044.
Developmental and epileptic encephalopathy, 1 (DEE1). Also called: Epileptic encephalopathy, early infantile, 1; X-linked infantile spasms; West's syndrome; Tonic spasms with clustering, arrest of psychomotor development and hypsarrhythmia on EEG; X-Linked Infantile Spasm Syndrome; OHTAHARA SYNDROME, X-LINKED. Identifiers: MedGen C3463992, MONDO:0010632, OMIM 308350. Disease mechanism: loss of function.
Familial infantile myoclonic epilepsy (FIME). Also called: Epilepsy, Myoclonic, Infantile; TBC1D24-Related Familial Infantile Myoclonic Epilepsy (FIME). Identifiers: Orphanet 352582, MedGen C0917800, MONDO:0011506, OMIM 605021.

Allele frequency attached by ClinVar (database versions not stated): ExAC 0.00003.
gnomAD v4.1: 104 of 1,610,710 alleles (0.0065%); highest among the groups gnomAD compares: Admixed American, 0.015%; no homozygotes.

Submissions (3):

Labcorp Genetics (formerly Invitae), Labcorp
Classification: Uncertain significance for Developmental and epileptic encephalopathy, 1; Autosomal dominant nonsyndromic hearing loss 65. Last evaluated: 2026-01-05. Review status: criteria provided, single submitter. Criteria: Invitae Variant Classification Sherloc (09022015). Collection method: clinical testing. Allele origin: germline.
Comment: This sequence change replaces glutamic acid, which is acidic and polar, with lysine, which is basic and polar, at codon 111 of the TBC1D24 protein (p.Glu111Lys). This variant is present in population databases (rs773211471, gnomAD 0.01%). This variant has not been reported in the literature in individuals affected with TBC1D24-related conditions. ClinVar contains an entry for this variant (Variation ID: 661860). Invitae Evidence Modeling of protein sequence and biophysical properties (such as structural, functional, and spatial information, amino acid conservation, physicochemical variation, residue mobility, and thermodynamic stability) indicates that this missense variant is not expected to disrupt TBC1D24 protein function with a negative predictive value of 95%. In summary, the available evidence is currently insufficient to determine the role of this variant in disease. Therefore, it has been classified as a Variant of Uncertain Significance.

GeneDx
Classification: Uncertain significance. Last evaluated: 2022-03-23. Review status: criteria provided, single submitter. Criteria: GeneDx Variant Classification Process June 2021. Collection method: clinical testing. Allele origin: germline. Affected: yes.
Comment: Not observed at significant frequency in large population cohorts (gnomAD); In silico analysis supports that this missense variant does not alter protein structure/function; Has not been previously published as pathogenic or benign to our knowledge

Illumina Laboratory Services, Illumina
Classification: Uncertain significance for Familial infantile myoclonic epilepsy. Last evaluated: 2017-04-28. Review status: criteria provided, single submitter. Criteria: ICSL Variant Classification Criteria 13 December 2019. Collection method: clinical testing. Allele origin: germline.

NM_001199107.2(TBC1D24):c.331G>A (p.Glu111Lys)

Gene: TBC1D24 (TBC1 domain family member 24; plus strand). Cytogenetic location: 16p13.3.
Variant type: single nucleotide variant.
Coding change: c.331G>A on transcript NM_001199107.2 (MANE Select); coding-DNA position 331, G replaced by A.
Protein change: p.Glu111Lys; replaces glutamic acid 111 with lysine.
Molecular consequence: missense variant.
Genome position (GRCh38, 1-based): chr16:2,496,479, G>A. VCF-style: chr16-2496479-G-A. GRCh37 (hg19) VCF-style: chr16-2546480-G-A.
Other names: c.331G>A, p.Glu111Lys (NM_020705.3); short protein forms E111K.
Identifiers: ClinVar variation 661860 (VCV000661860.11), dbSNP rs773211471, ClinGen allele CA7843978.